The following is an entry in ClinVar:

ClinVar aggregate classification (germline): Uncertain significance. Review status: criteria provided, multiple submitters, no conflicts (2 of 4 stars). 2 submissions from 2 submitters: Uncertain significance (2). Last evaluated 2025-03-26.

Conditions:
Inborn genetic diseases. Identifiers: MedGen C0950123, MeSH D030342.

Allele frequency attached by ClinVar (database versions not stated): ExAC 0.00001; gnomAD 0.00001; gnomAD exomes 0.00001; TOPMed 0.00002.
gnomAD v4.1: 9 of 1,613,738 alleles (0.00056%); highest among the groups gnomAD compares: African/African-American, 0.0027%; no homozygotes.

Submissions (2):

Ambry Genetics
Classification: Uncertain significance for Inborn genetic diseases. Last evaluated: 2025-03-26. Review status: criteria provided, single submitter. Criteria: Ambry Variant Classification Scheme 2023. Collection method: clinical testing. Allele origin: germline.

Labcorp Genetics (formerly Invitae), Labcorp
Classification: Uncertain significance. Last evaluated: 2022-07-06. Review status: criteria provided, single submitter. Criteria: Invitae Variant Classification Sherloc (09022015). Collection method: clinical testing. Allele origin: germline.
Comment: This sequence change replaces proline, which is neutral and non-polar, with leucine, which is neutral and non-polar, at codon 2850 of the USH2A protein (p.Pro2850Leu). In summary, the available evidence is currently insufficient to determine the role of this variant in disease. Therefore, it has been classified as a Variant of Uncertain Significance. Algorithms developed to predict the effect of missense changes on protein structure and function (SIFT, PolyPhen-2, Align-GVGD) all suggest that this variant is likely to be disruptive. ClinVar contains an entry for this variant (Variation ID: 1501324). This variant has not been reported in the literature in individuals affected with USH2A-related conditions. This variant is not present in population databases (gnomAD no frequency).

NM_206933.4(USH2A):c.8549C>T (p.Pro2850Leu)

Gene: USH2A (usherin; minus strand). Cytogenetic location: 1q41.
Variant type: single nucleotide variant.
Coding change: c.8549C>T on transcript NM_206933.4 (MANE Select); coding-DNA position 8549, C replaced by T.
Protein change: p.Pro2850Leu; replaces proline 2850 with leucine.
Molecular consequence: missense variant.
Genome position (GRCh38, 1-based): chr1:215,878,773, G>A on the plus strand (C>T on the coding strand, the complement: USH2A is on the minus strand). VCF-style: chr1-215878773-G-A. GRCh37 (hg19) VCF-style: chr1-216052115-G-A.
Other names: c.8549C>T (NM_206933.2); short protein forms P2850L.
Identifiers: ClinVar variation 1501324 (VCV001501324.9), dbSNP rs762053600, ClinGen allele CA1394593.